The following is an entry in ClinVar:

NM_001290208.3(ZNF717):c.2739C>T (p.Phe913=)

Gene: ZNF717 (zinc finger protein 717; minus strand). Cytogenetic location: 3p12.3.
Variant type: single nucleotide variant.
Coding change: c.2739C>T on transcript NM_001290208.3 (MANE Select); coding-DNA position 2739, C replaced by T.
Protein change: p.Phe913=; no amino-acid change (phenylalanine 913 retained).
Molecular consequence: synonymous variant. On other transcripts: intron variant (4).
Genome position (GRCh38, 1-based): chr3:75,736,884, G>A on the plus strand (C>T on the coding strand, the complement: ZNF717 is on the minus strand). VCF-style: chr3-75736884-G-A. GRCh37 (hg19) VCF-style: chr3-75786035-G-A.
Other names: c.2739C>T, p.Phe913= (NM_001128223.3); c.2589C>T, p.Phe863= (NM_001290209.3); c.277+4392C>T (NM_001290210.2, NM_001324026.2); c.256+4392C>T (NM_001324028.1); c.2166+573C>T (NM_001324027.1).
Identifiers: ClinVar variation 2672945 (VCV002672945.23), dbSNP rs1275891563, ClinGen allele CA434192744.

ClinVar aggregate classification (germline): Likely benign (1 of 4 stars; one submission).

Allele frequency attached by ClinVar (database versions not stated): gnomAD 0.00001.

Submission:

CeGaT Center for Human Genetics Tuebingen
Classification: Likely benign. Last evaluated: 2025-02-01. Review status: criteria provided, single submitter. Criteria: CeGaT Center For Human Genetics Tuebingen Variant Classification Criteria Version 2. Collection method: clinical testing. Allele origin: germline. Affected: yes. Observed: 2 variant alleles.
Comment: ZNF717: BP4, BP7